The following is an entry in ClinVar:

ClinVar aggregate classification (germline): Uncertain significance (1 of 4 stars; one submission).

Conditions:
PROM1-related disorder. Also called: PROM1-related disorders; PROM1-related condition.

Submission:

PreventionGenetics, part of Exact Sciences
Classification: Uncertain significance for PROM1-related condition. Last evaluated: 2026-06-28. Review status: criteria provided, single submitter. Criteria: ACMG Guidelines, 2015. Collection method: clinical testing. Allele origin: germline.
Comment: The PROM1 c.154A>G variant is predicted to result in the amino acid substitution p.Ile52Val. To our knowledge, this variant has not been reported in the literature. This variant is absent in a large population database (gnomAD), indicating this variant is rare. At this time, the clinical significance of this variant is uncertain due to the absence of conclusive functional and genetic evidence.

NM_006017.3(PROM1):c.154A>G (p.Ile52Val)

Gene: PROM1 (prominin 1; minus strand). Cytogenetic location: 4p15.32.
Variant type: single nucleotide variant.
Coding change: c.154A>G on transcript NM_006017.3 (MANE Select); coding-DNA position 154, A replaced by G.
Protein change: p.Ile52Val; replaces isoleucine 52 with valine.
Molecular consequence: missense variant. On other transcripts: non-coding transcript variant (2), intron variant (1).
Genome position (GRCh38, 1-based): chr4:16,075,753, T>C on the plus strand (A>G on the coding strand, the complement: PROM1 is on the minus strand). VCF-style: chr4-16075753-T-C. GRCh37 (hg19) VCF-style: chr4-16077376-T-C.
Other names: c.154A>G, p.Ile52Val (NM_001145847.2, NM_001145848.2, NM_001145849.2 and 12 more transcripts); c.-120+8225A>G (NM_001441179.1); short protein forms I52V.
Identifiers: ClinVar variation 4982719 (VCV004982719.1).